The following is an entry in ClinVar:

ClinVar aggregate classification (germline): Uncertain significance (1 of 4 stars; one submission).

Conditions:
Familial adenomatous polyposis 1 (FAP1). Also called: FAMILIAL ADENOMATOUS POLYPOSIS 1, ATTENUATED; POLYPOSIS, ADENOMATOUS INTESTINAL. Identifiers: MedGen C2713442, MONDO:0021056, OMIM 175100. Disease mechanism: loss of function.

Submission:

Labcorp Genetics (formerly Invitae), Labcorp
Classification: Uncertain significance for Familial adenomatous polyposis 1. Last evaluated: 2023-04-07. Review status: criteria provided, single submitter. Criteria: Invitae Variant Classification Sherloc (09022015). Collection method: clinical testing. Allele origin: germline.
Comment: This sequence change replaces isoleucine, which is neutral and non-polar, with threonine, which is neutral and polar, at codon 776 of the APC protein (p.Ile776Thr). This variant is not present in population databases (gnomAD no frequency). This variant has not been reported in the literature in individuals affected with APC-related conditions. ClinVar contains an entry for this variant (Variation ID: 1399235). Advanced modeling of protein sequence and biophysical properties (such as structural, functional, and spatial information, amino acid conservation, physicochemical variation, residue mobility, and thermodynamic stability) performed at Invitae indicates that this missense variant is not expected to disrupt APC protein function. In summary, the available evidence is currently insufficient to determine the role of this variant in disease. Therefore, it has been classified as a Variant of Uncertain Significance.

NM_000038.6(APC):c.2327T>C (p.Ile776Thr)

Gene: APC (APC regulator of Wnt signaling pathway; plus strand). Cytogenetic location: 5q22.2.
Variant type: single nucleotide variant.
Coding change: c.2327T>C on transcript NM_000038.6 (MANE Select); coding-DNA position 2327, T replaced by C.
Protein change: p.Ile776Thr; replaces isoleucine 776 with threonine.
Molecular consequence: missense variant.
Genome position (GRCh38, 1-based): chr5:112,837,921, T>C. VCF-style: chr5-112837921-T-C. GRCh37 (hg19) VCF-style: chr5-112173618-T-C.
Other names: c.2327T>C, p.Ile776Thr (NM_001127510.3, NM_001354895.2); c.2273T>C, p.Ile758Thr (NM_001127511.3); c.2381T>C, p.Ile794Thr (NM_001354896.2); c.2357T>C, p.Ile786Thr (NM_001354897.2); c.2252T>C, p.Ile751Thr (NM_001354898.2); c.2243T>C, p.Ile748Thr (NM_001354899.2); c.2204T>C, p.Ile735Thr (NM_001354900.2); c.2150T>C, p.Ile717Thr (NM_001354901.2); and 5 more; short protein forms I650T, I675T, I748T, I758T, I794T, I717T, I751T, I776T.
Identifiers: ClinVar variation 1399235 (VCV001399235.6), dbSNP rs2149866438, ClinGen allele CA16026437.